The following is an entry in ClinVar:

NM_015100.4(POGZ):c.3116G>A (p.Arg1039His)

Gene: POGZ (pogo transposable element derived with ZNF domain; minus strand). Cytogenetic location: 1q21.3.
Variant type: single nucleotide variant.
Coding change: c.3116G>A on transcript NM_015100.4 (MANE Select); coding-DNA position 3116, G replaced by A.
Protein change: p.Arg1039His; replaces arginine 1039 with histidine.
Molecular consequence: missense variant.
Genome position (GRCh38, 1-based): chr1:151,405,919, C>T on the plus strand (G>A on the coding strand, the complement: POGZ is on the minus strand). VCF-style: chr1-151405919-C-T. GRCh37 (hg19) VCF-style: chr1-151378395-C-T.
Other names: c.3089G>A, p.Arg1030His (NM_001194937.2); c.2930G>A, p.Arg977His (NM_001194938.2); c.2831G>A, p.Arg944His (NM_145796.4); c.2957G>A, p.Arg986His (NM_207171.2); short protein forms R1039H, R944H, R977H, R1030H, R986H.
Identifiers: ClinVar variation 560564 (VCV000560564.3), dbSNP rs760059077, ClinGen allele CA1091006.

ClinVar aggregate classification (germline): Uncertain significance. Review status: criteria provided, single submitter (1 of 4 stars). 2 submissions from 2 submitters: Uncertain significance (1). 1 of the submissions does not count toward it. Last evaluated 2025-07-08.

Conditions:
Autism spectrum disorder. Also called: Autism spectrum disorders. Identifiers: MedGen C1510586, MeSH D000067877, MONDO:0005258.

Allele frequency attached by ClinVar (database versions not stated): TOPMed 0.00002; gnomAD exomes 0.00001 and 0.00002; gnomAD 0.00002 and 0.00001; ExAC 0.00004.
gnomAD v4.1: 13 of 1,614,040 alleles (0.00081%); highest among the groups gnomAD compares: Non-Finnish European, 0.001%; no homozygotes.

Submissions (2):

Dasa
Classification: Uncertain significance. Last evaluated: 2025-07-08. Review status: criteria provided, single submitter. Criteria: DASA Assertion Criteria. Collection method: clinical testing. Allele origin: germline.
Comment: NM_015100.4(POGZ):c.3116G>A (p.Arg1039His) is a missense variant that results in the substitution of arginine with histidine. This variant is rare in population databases. Computational prediction algorithms are consistent with a benign effect. The currently available literature and clinical evidence are not sufficient to establish a definitive association between this variant and the reported condition. Therefore, this variant is classified as a variant of uncertain significance.

Center of Medical Genetics, Central South University
Classification: association for Autism spectrum disorder. Review status: no assertion criteria provided. Collection method: clinical testing. Allele origin: paternal, unknown. Affected: yes. Observed: 2 variant alleles. Not counted in ClinVar's aggregate classification.